The following is an entry in ClinVar:

NM_001367873.1(SOX6):c.436G>A (p.Glu146Lys)

Gene: SOX6 (SRY-box transcription factor 6; minus strand). Cytogenetic location: 11p15.2.
Variant type: single nucleotide variant.
Coding change: c.436G>A on transcript NM_001367873.1 (MANE Select); coding-DNA position 436, G replaced by A.
Protein change: p.Glu146Lys; replaces glutamic acid 146 with lysine.
Molecular consequence: missense variant.
Genome position (GRCh38, 1-based): chr11:16,318,455, C>T on the plus strand (G>A on the coding strand, the complement: SOX6 is on the minus strand). VCF-style: chr11-16318455-C-T. GRCh37 (hg19) VCF-style: chr11-16340001-C-T.
Other names: c.436G>A, p.Glu146Lys (NM_001145811.2, NM_001145819.2, NM_001367872.1 and 2 more transcripts); short protein forms E146K.
Identifiers: ClinVar variation 1695692 (VCV001695692.2), dbSNP rs2134302031, ClinGen allele CA379877934.
Genomic context (GRCh38, chr11:16,318,455, plus strand): 5'-GGAATCTTTAGAAGAAAAAAAACAGAGCCCAACAGTGAAGTCCACACATACCCTCTTGTT[C>T]AGTCCGAGTCATTTCCTCAAGCTTCTTCTGTTTCAGTGTGTCCACCACATCGGCAAGACT-3'
Protein context (NP_001354802.1, residues 136-156): QKKLEEMTRT[Glu146Lys]QEDSSCMEKL

ClinVar aggregate classification (germline): Uncertain significance (1 of 4 stars; one submission).

Allele frequency attached by ClinVar (database versions not stated): gnomAD exomes below 0.00001.
gnomAD v4.1: 2 of 1,612,570 alleles (0.00012%); highest among the groups gnomAD compares: Non-Finnish European, 0.000085%; no homozygotes.

Submission:

GeneDx
Classification: Uncertain significance. Last evaluated: 2022-01-06. Review status: criteria provided, single submitter. Criteria: GeneDx Variant Classification Process June 2021. Collection method: clinical testing. Allele origin: germline. Affected: yes.
Comment: Not observed at significant frequency in large population cohorts (gnomAD); In silico analysis supports that this missense variant has a deleterious effect on protein structure/function; Has not been previously published as pathogenic or benign to our knowledge